The following is an entry in ClinVar:

ClinVar aggregate classification (germline): Pathogenic (1 of 4 stars; one submission).

Allele frequency attached by ClinVar (database versions not stated): gnomAD exomes 0.00001.
gnomAD v4.1: 15 of 1,551,818 alleles (0.00097%); highest among the groups gnomAD compares: Non-Finnish European, 0.0013%; no homozygotes.

Submission:

Labcorp Genetics (formerly Invitae), Labcorp
Classification: Pathogenic. Last evaluated: 2022-12-06. Review status: criteria provided, single submitter. Criteria: Invitae Variant Classification Sherloc (09022015). Collection method: clinical testing. Allele origin: germline.
Comment: For these reasons, this variant has been classified as Pathogenic. This variant has not been reported in the literature in individuals affected with HSPG2-related conditions. This variant is not present in population databases (gnomAD no frequency). This sequence change creates a premature translational stop signal (p.Glu1401*) in the HSPG2 gene. It is expected to result in an absent or disrupted protein product. Loss-of-function variants in HSPG2 are known to be pathogenic (PMID: 11279527, 16927315, 20542149, 23836246).

Literature cited by the submitters: PubMed 11279527; PubMed 16927315; PubMed 20542149; PubMed 23836246.

NM_005529.7(HSPG2):c.4201G>T (p.Glu1401Ter)

Gene: HSPG2 (heparan sulfate proteoglycan 2; minus strand). Cytogenetic location: 1p36.12.
Variant type: single nucleotide variant.
Coding change: c.4201G>T on transcript NM_005529.7 (MANE Select); coding-DNA position 4201, G replaced by T.
Protein change: p.Glu1401Ter; replaces glutamic acid 1401 with a stop codon.
Molecular consequence: nonsense.
Genome position (GRCh38, 1-based): chr1:21,872,206, C>A on the plus strand (G>T on the coding strand, the complement: HSPG2 is on the minus strand). VCF-style: chr1-21872206-C-A. GRCh37 (hg19) VCF-style: chr1-22198699-C-A.
Other names: c.4204G>T, p.Glu1402Ter (NM_001291860.2); short protein forms E1401*, E1402*.
Identifiers: ClinVar variation 2879694 (VCV002879694.3), dbSNP rs2550748924, ClinGen allele CA338958305.
Genomic context (GRCh38, chr1:21,872,206, plus strand): 5'-TCTGAGTCACGGCTGACCCTGGTGCTTGGCTGGGGCCCACCTTGTCTCCCTGGTATGTCT[C>A]CGGCAGCTGCCAGTAGAAGGACTCATGGCCGAGTTGGGCAAAGTTGCCAAAAGAGAGCTG-3'